The following is an entry in ClinVar:

ClinVar aggregate classification (germline): Likely benign (1 of 4 stars; one submission).

Conditions:
Familial cancer of breast. Also called: hereditary breast carcinoma; Hereditary breast cancer; BREAST CANCER, FAMILIAL. Identifiers: Orphanet 227535, MedGen C0346153, MONDO:0016419, OMIM 114480. Disease mechanism: loss of function.

Submission:

Myriad Genetics, Inc.
Classification: Likely benign for Familial cancer of breast. Last evaluated: 2024-07-24. Review status: criteria provided, single submitter. Criteria: Myriad Autosomal Dominant, Autosomal Recessive and X-Linked Classification Criteria (2023). Collection method: clinical testing. Allele origin: unknown.
Comment: This variant is considered likely benign. This variant is intronic and is not expected to impact mRNA splicing.

NM_000465.4(BARD1):c.1314+10T>A

Gene: BARD1 (BRCA1 associated RING domain 1; minus strand). Cytogenetic location: 2q35.
Variant type: single nucleotide variant.
Coding change: c.1314+10T>A on transcript NM_000465.4 (MANE Select); 10 bases into the intron after coding-DNA position 1314, T replaced by A.
Molecular consequence: intron variant.
Genome position (GRCh38, 1-based): chr2:214,780,550, A>T on the plus strand (T>A on the coding strand, the complement: BARD1 is on the minus strand). VCF-style: chr2-214780550-A-T. GRCh37 (hg19) VCF-style: chr2-215645274-A-T.
Other names: c.159-27995T>A (NM_001282548.2); c.1257+10T>A (NM_001282543.2); c.215+16511T>A (NM_001282545.2); c.364+11747T>A (NM_001282549.2).
Identifiers: ClinVar variation 3378508 (VCV003378508.1).
Genomic context (GRCh38, chr2:214,780,550, plus strand): 5'-CAAAAACTGCAAAGAAATTGCTTTATAGTTGGCCTCATTCTGAGATGGTATTTCAGAGTA[A>T]GCATCCTACCTTAATAGAAGCAATATGGAGCAAAGTCTCTCCTCTATGATTTCTTTTCAC-3'